The following is an entry in ClinVar:

NM_004006.3(DMD):c.9025C>A (p.Leu3009Ile)

Gene: DMD (dystrophin; minus strand). Cytogenetic location: Xp21.2.
Variant type: single nucleotide variant.
Coding change: c.9025C>A on transcript NM_004006.3 (MANE Select); coding-DNA position 9025, C replaced by A.
Protein change: p.Leu3009Ile; replaces leucine 3009 with isoleucine.
Molecular consequence: missense variant.
Genome position (GRCh38, 1-based): chrX:31,444,540, G>T on the plus strand (C>A on the coding strand, the complement: DMD is on the minus strand). VCF-style: chrX-31444540-G-T. GRCh37 (hg19) VCF-style: chrX-31462657-G-T.
Other names: c.9025C>A (NM_004006.2); c.9001C>A, p.Leu3001Ile (NM_000109.4); c.9013C>A, p.Leu3005Ile (NM_004009.3); c.8656C>A, p.Leu2886Ile (NM_004010.3); c.5002C>A, p.Leu1668Ile (NM_004011.4); c.4993C>A, p.Leu1665Ile (NM_004012.4); c.1645C>A, p.Leu549Ile (NM_004013.3, NM_004020.4, NM_004021.3 and 2 more transcripts); c.838C>A, p.Leu280Ile (NM_004014.3); short protein forms L280I, L3001I, L3009I, L549I, L1668I, L3005I, L1665I, L2886I.
Identifiers: ClinVar variation 1413692 (VCV001413692.5), dbSNP rs2149075446, ClinGen allele CA412655154.

ClinVar aggregate classification (germline): Uncertain significance. Review status: criteria provided, multiple submitters, no conflicts (2 of 4 stars). 2 submissions from 2 submitters: Uncertain significance (2). Last evaluated 2023-07-03.

Conditions:
Duchenne muscular dystrophy (DMD). Also called: MUSCULAR DYSTROPHY, PSEUDOHYPERTROPHIC PROGRESSIVE, DUCHENNE TYPE; Duchenne Muscular Dystrophy (DMD). Identifiers: Orphanet 98896, MedGen C0013264, MONDO:0010679, OMIM 310200.
Cardiovascular phenotype. Identifiers: MedGen CN230736.

gnomAD v4.1: 1 of 1,211,886 alleles (0.000083%); highest among the groups gnomAD compares: Non-Finnish European, 0.00011%; no homozygotes.

Submissions (2):

Ambry Genetics
Classification: Uncertain significance for Cardiovascular phenotype. Last evaluated: 2023-07-03. Review status: criteria provided, single submitter. Criteria: Ambry Variant Classification Scheme 2023. Collection method: clinical testing. Allele origin: germline.
Comment: The p.L3009I variant (also known as c.9025C>A), located in coding exon 60 of the DMD gene, results from a C to A substitution at nucleotide position 9025. The leucine at codon 3009 is replaced by isoleucine, an amino acid with highly similar properties. This amino acid position is highly conserved in available vertebrate species. In addition, this alteration is predicted to be tolerated by in silico analysis. Since supporting evidence is limited at this time, the clinical significance of this alteration remains unclear.

Labcorp Genetics (formerly Invitae), Labcorp
Classification: Uncertain significance for Duchenne muscular dystrophy. Last evaluated: 2021-12-15. Review status: criteria provided, single submitter. Criteria: Invitae Variant Classification Sherloc (09022015). Collection method: clinical testing. Allele origin: germline.
Comment: This sequence change replaces leucine, which is neutral and non-polar, with isoleucine, which is neutral and non-polar, at codon 3009 of the DMD protein (p.Leu3009Ile). This variant is not present in population databases (gnomAD no frequency). This variant has not been reported in the literature in individuals affected with DMD-related conditions. Algorithms developed to predict the effect of missense changes on protein structure and function are either unavailable or do not agree on the potential impact of this missense change (SIFT: "Deleterious"; PolyPhen-2: "Possibly Damaging"; Align-GVGD: "Class C0"). In summary, the available evidence is currently insufficient to determine the role of this variant in disease. Therefore, it has been classified as a Variant of Uncertain Significance.